The following is an entry in ClinVar:

ClinVar aggregate classification (germline): Uncertain significance (1 of 4 stars; one submission).

Conditions:
Cornelia de Lange syndrome 3 (CDLS3). Also called: SMC3-Related Cornelia de Lange Syndrome; CORNELIA DE LANGE SYNDROME 3 WITH OR WITHOUT MIDLINE BRAIN DEFECTS. Identifiers: Orphanet 199, MedGen C1853099, MONDO:0012555, OMIM 610759.

Submission:

Labcorp Genetics (formerly Invitae), Labcorp
Classification: Uncertain significance for Cornelia de Lange syndrome 3. Last evaluated: 2025-09-27. Review status: criteria provided, single submitter. Criteria: Invitae Variant Classification Sherloc (09022015). Collection method: clinical testing. Allele origin: germline.
Comment: This sequence change replaces asparagine, which is neutral and polar, with serine, which is neutral and polar, at codon 442 of the SMC3 protein (p.Asn442Ser). This variant is not present in population databases (gnomAD no frequency). This variant has not been reported in the literature in individuals affected with SMC3-related conditions. Invitae Evidence Modeling of protein sequence and biophysical properties (such as structural, functional, and spatial information, amino acid conservation, physicochemical variation, residue mobility, and thermodynamic stability) has been performed for this missense variant. However, the output from this modeling did not meet the statistical confidence thresholds required to predict the impact of this variant on SMC3 protein function. In summary, the available evidence is currently insufficient to determine the role of this variant in disease. Therefore, it has been classified as a Variant of Uncertain Significance.

NM_005445.4(SMC3):c.1325A>G (p.Asn442Ser)

Gene: SMC3 (structural maintenance of chromosomes 3; plus strand). Cytogenetic location: 10q25.2.
Variant type: single nucleotide variant.
Coding change: c.1325A>G on transcript NM_005445.4 (MANE Select); coding-DNA position 1325, A replaced by G.
Protein change: p.Asn442Ser; replaces asparagine 442 with serine.
Molecular consequence: missense variant.
Genome position (GRCh38, 1-based): chr10:110,589,624, A>G. VCF-style: chr10-110589624-A-G. GRCh37 (hg19) VCF-style: chr10-112349382-A-G.
Other names: short protein forms N442S.
Identifiers: ClinVar variation 4710556 (VCV004710556.1).